The following is an entry in ClinVar:

ClinVar aggregate classification (germline): Likely benign (1 of 4 stars; one submission).

gnomAD v4.1: 3 of 1,610,462 alleles (0.00019%); highest among the groups gnomAD compares: Admixed American, 0.005%; no homozygotes.

Submission:

Mayo Clinic Laboratories, Mayo Clinic
Classification: Likely benign. Last evaluated: 2025-07-29. Review status: criteria provided, single submitter. Criteria: ACMG Guidelines, 2015. Collection method: clinical testing. Allele origin: germline. Observed: 1 variant allele.
Comment: BP4, BP5, BP7

NM_198252.3(GSN):c.*9A>G

Gene: GSN (gelsolin; plus strand). Cytogenetic location: 9q33.2.
Variant type: single nucleotide variant.
Coding change: c.*9A>G on transcript NM_198252.3 (MANE Select); 9 bases downstream of the stop codon, A replaced by G.
Molecular consequence: 3 prime UTR variant.
Genome position (GRCh38, 1-based): chr9:121,332,612, A>G. VCF-style: chr9-121332612-A-G. GRCh37 (hg19) VCF-style: chr9-124094890-A-G.
Other names: c.*9A>G (NM_000177.5, NM_001127662.2, NM_001127663.2 and 32 more transcripts).
Identifiers: ClinVar variation 4683421 (VCV004683421.1).